The following is an entry in ClinVar:

ClinVar aggregate classification (germline): Uncertain significance (1 of 4 stars; one submission).

Conditions:
Inborn genetic diseases. Identifiers: MedGen C0950123, MeSH D030342.

gnomAD v4.1: 5 of 1,613,820 alleles (0.00031%); highest among the groups gnomAD compares: Non-Finnish European, 0.00042%; no homozygotes.

Submission:

Ambry Genetics
Classification: Uncertain significance for Inborn genetic diseases. Last evaluated: 2026-04-06. Review status: criteria provided, single submitter. Criteria: Ambry Variant Classification Scheme 2023. Collection method: clinical testing. Allele origin: germline.
Comment: The c.1302+3G>T intronic variant results from a G to T substitution 3 nucleotides after coding exon 12 in the DDX41 gene. This nucleotide position is not well conserved in available vertebrate species. In silico splice site analysis predicts that this alteration will weaken the native splice donor site; however, direct evidence is insufficient at this time (Ambry internal data). Based on the available evidence, the clinical significance of this variant remains unclear.

NM_016222.4(DDX41):c.1302+3G>T

Gene: DDX41 (DEAD-box helicase 41; minus strand). Cytogenetic location: 5q35.3.
Variant type: single nucleotide variant.
Coding change: c.1302+3G>T on transcript NM_016222.4 (MANE Select); 3 bases into the intron after coding-DNA position 1302, G replaced by T.
Molecular consequence: intron variant.
Genome position (GRCh38, 1-based): chr5:177,513,008, C>A on the plus strand (G>T on the coding strand, the complement: DDX41 is on the minus strand). VCF-style: chr5-177513008-C-A. GRCh37 (hg19) VCF-style: chr5-176940009-C-A.
Other names: c.924+3G>T (NM_001321830.2, NM_001321732.2).
Identifiers: ClinVar variation 4869618 (VCV004869618.1).
Genomic context (GRCh38, chr5:177,513,008, plus strand): 5'-TCCCCTCCAAAGCCCTCCCTGGTCCTGGGGACTCTGGCCCCGGCCTGGCCTGGCTGCACT[C>A]ACAGGCGGGGGTGTCTTCTGCAGGCACTCGAGCAGGTACACCATCTTGGCCTCCTCCTTC-3'